The following is an entry in ClinVar:

NM_000256.3(MYBPC3):c.1405C>G (p.Gln469Glu)

Gene: MYBPC3 (myosin binding protein C3; minus strand). Cytogenetic location: 11p11.2.
Variant type: single nucleotide variant.
Coding change: c.1405C>G on transcript NM_000256.3 (MANE Select); coding-DNA position 1405, C replaced by G.
Protein change: p.Gln469Glu; replaces glutamine 469 with glutamic acid.
Molecular consequence: missense variant.
Genome position (GRCh38, 1-based): chr11:47,342,882, G>C on the plus strand (C>G on the coding strand, the complement: MYBPC3 is on the minus strand). VCF-style: chr11-47342882-G-C. GRCh37 (hg19) VCF-style: chr11-47364433-G-C.
Other names: short protein forms Q469E.
Identifiers: ClinVar variation 836493 (VCV000836493.9), dbSNP rs730880539, ClinGen allele CA078069.
Genomic context (GRCh38, chr11:47,342,882, plus strand): 5'-GAACTCACCATTTGACTTGCGCCCCCTCCTCCGATACTTCACACTCAAACTCCACCCGCT[G>C]CCCCACCATCACCAGCTGGTCCTCCAAGGGGCGCGTGATGAGCACAGGGGGCTCTGTCCA-3'
Protein context (NP_000247.2, residues 459-479): PLEDQLVMVG[Gln469Glu]RVEFECEVSE

ClinVar aggregate classification (germline): Uncertain significance (1 of 4 stars; one submission).

Conditions:
Hypertrophic cardiomyopathy. Also called: HYPERTROPHIC MYOCARDIOPATHY. Identifiers: Orphanet 217569, MedGen C0007194, MeSH D002312, MONDO:0005045, HP:0001639.

Allele frequency attached by ClinVar (database versions not stated): gnomAD exomes below 0.00001 and 0.00001; ExAC 0.00001.
gnomAD v4.1: 8 of 1,612,926 alleles (0.0005%); highest among the groups gnomAD compares: Non-Finnish European, 0.00068%; no homozygotes.

Submission:

Labcorp Genetics (formerly Invitae), Labcorp
Classification: Uncertain significance for Hypertrophic cardiomyopathy. Last evaluated: 2019-02-14. Review status: criteria provided, single submitter. Criteria: Invitae Variant Classification Sherloc (09022015). Collection method: clinical testing. Allele origin: germline.
Comment: In summary, the available evidence is currently insufficient to determine the role of this variant in disease. Therefore, it has been classified as a Variant of Uncertain Significance. Algorithms developed to predict the effect of missense changes on protein structure and function (SIFT, PolyPhen-2, Align-GVGD) all suggest that this variant is likely to be tolerated, but these predictions have not been confirmed by published functional studies and their clinical significance is uncertain. This variant has not been reported in the literature in individuals with MYBPC3-related conditions. This variant is present in population databases (rs730880539, ExAC 0.002%). This sequence change replaces glutamine with glutamic acid at codon 469 of the MYBPC3 protein (p.Gln469Glu). The glutamine residue is moderately conserved and there is a small physicochemical difference between glutamine and glutamic acid.